The following is an entry in ClinVar:

ClinVar aggregate classification (germline): Uncertain significance. Review status: criteria provided, multiple submitters, no conflicts (2 of 4 stars). 2 submissions from 2 submitters: Uncertain significance (2). Last evaluated 2025-01-22.

Conditions:
Hereditary cancer-predisposing syndrome. Also called: Neoplastic Syndromes, Hereditary; Tumor predisposition; Hereditary Cancer Syndrome; Hereditary neoplastic syndrome. Identifiers: Orphanet 140162, MedGen C0027672, MeSH D009386, MONDO:0015356.

Submissions (2):

Ambry Genetics
Classification: Uncertain significance for Hereditary cancer-predisposing syndrome. Last evaluated: 2025-01-22. Review status: criteria provided, single submitter. Criteria: Ambry Variant Classification Scheme 2023. Collection method: clinical testing. Allele origin: germline.
Comment: The p.S277G variant (also known as c.829A>G), located in coding exon 6 of the PTCH1 gene, results from an A to G substitution at nucleotide position 829. The serine at codon 277 is replaced by glycine, an amino acid with similar properties. This amino acid position is well conserved in available vertebrate species. In addition, this alteration is predicted to be tolerated by in silico analysis. Based on the available evidence, the clinical significance of this variant remains unclear.

Quest Diagnostics Nichols Institute San Juan Capistrano
Classification: Uncertain significance. Last evaluated: 2024-10-16. Review status: criteria provided, single submitter. Criteria: Quest Diagnostics criteria. Collection method: clinical testing. Allele origin: unknown.
Comment: The PTCH1 c.829A>G (p.Ser277Gly) variant has not been reported in individuals with PTCH1-related conditions in the published literature. It also has not been reported in large, multi-ethnic general populations (Genome Aggregation Database). Analysis of this variant using bioinformatics tools for the prediction of the effect of amino acid changes on protein structure and function yielded predictions that this variant is benign. Based on the available information, we are unable to determine the clinical significance of this variant.

NM_000264.5(PTCH1):c.829A>G (p.Ser277Gly)

Gene: PTCH1 (patched 1; minus strand). Cytogenetic location: 9q22.32.
Variant type: single nucleotide variant.
Coding change: c.829A>G on transcript NM_000264.5 (MANE Select); coding-DNA position 829, A replaced by G.
Protein change: p.Ser277Gly; replaces serine 277 with glycine.
Molecular consequence: missense variant. On other transcripts: non-coding transcript variant (1).
Genome position (GRCh38, 1-based): chr9:95,480,506, T>C on the plus strand (A>G on the coding strand, the complement: PTCH1 is on the minus strand). VCF-style: chr9-95480506-T-C. GRCh37 (hg19) VCF-style: chr9-98242788-T-C.
Other names: c.631A>G, p.Ser211Gly (NM_001083602.3); c.826A>G, p.Ser276Gly (NM_001083603.3); c.376A>G, p.Ser126Gly (NM_001083604.3, NM_001083605.3, NM_001083606.3 and 1 more transcripts); c.829A>G, p.Ser277Gly (NM_001354918.2); c.829A>G (NM_000264.4); short protein forms S276G, S126G, S211G, S277G.
Identifiers: ClinVar variation 1762787 (VCV001762787.4), dbSNP rs2118421460, ClinGen allele CA374114151.